The following is an entry in ClinVar:

ClinVar aggregate classification (germline): Likely benign. Review status: criteria provided, multiple submitters, no conflicts (2 of 4 stars). 2 submissions from 2 submitters: Likely benign (2). Last evaluated 2026-02-04.

Allele frequency attached by ClinVar (database versions not stated): gnomAD 0.00002 and 0.00003; TOPMed 0.00002; ESP Exome Variant Server 0.00008.
gnomAD v4.1: 23 of 1,614,218 alleles (0.0014%); highest among the groups gnomAD compares: East Asian, 0.0045%; no homozygotes.

Submissions (2):

Labcorp Genetics (formerly Invitae), Labcorp
Classification: Likely benign. Last evaluated: 2026-02-04. Review status: criteria provided, single submitter. Criteria: Invitae Variant Classification Sherloc (09022015). Collection method: clinical testing. Allele origin: germline.

CeGaT Center for Human Genetics Tuebingen
Classification: Likely benign. Last evaluated: 2023-11-01. Review status: criteria provided, single submitter. Criteria: CeGaT Center For Human Genetics Tuebingen Variant Classification Criteria Version 2. Collection method: clinical testing. Allele origin: germline. Affected: yes. Observed: 1 variant allele.
Comment: ERCC5: BP4, BP7

NM_000123.4(ERCC5):c.2376G>A (p.Ala792=)

Genes: BIVM-ERCC5 (BIVM-ERCC5 readthrough; plus strand), ERCC5 (ERCC excision repair 5, endonuclease; plus strand), LOC126861834 (BRD4-independent group 4 enhancer GRCh37_chr13:103518038-103519237; plus strand). Cytogenetic location: 13q33.1.
Variant type: single nucleotide variant.
Coding change: c.2376G>A on transcript NM_000123.4 (MANE Select); coding-DNA position 2376, G replaced by A.
Protein change: p.Ala792=; no amino-acid change (alanine 792 retained).
Molecular consequence: synonymous variant.
Genome position (GRCh38, 1-based): chr13:102,866,688, G>A. VCF-style: chr13-102866688-G-A. GRCh37 (hg19) VCF-style: chr13-103519038-G-A.
Other names: c.3738G>A, p.Ala1246= (NM_001204425.2).
Identifiers: ClinVar variation 695453 (VCV000695453.27), dbSNP rs147571137, ClinGen allele CA7041623.
Genomic context (GRCh38, chr13:102,866,688, plus strand): 5'-GCAGGAACTCCTGCGCCTGTTCGGCATTCCCTACATCCAGGCTCCCATGGAAGCAGAGGC[G>A]CAGTGCGCCATCCTGGACCTGACTGATCAGACTTCCGGAACCATCACTGATGACAGTGAT-3'
Protein context (NP_000114.3, residues 782-802): PYIQAPMEAE[Ala792=]QCAILDLTDQ